The following is an entry in ClinVar:

NM_031844.3(HNRNPU):c.1120G>A (p.Glu374Lys)

Gene: HNRNPU (heterogeneous nuclear ribonucleoprotein U; minus strand). Cytogenetic location: 1q44.
Variant type: single nucleotide variant.
Coding change: c.1120G>A on transcript NM_031844.3 (MANE Select); coding-DNA position 1120, G replaced by A.
Protein change: p.Glu374Lys; replaces glutamic acid 374 with lysine.
Molecular consequence: missense variant.
Genome position (GRCh38, 1-based): chr1:244,858,839, C>T on the plus strand (G>A on the coding strand, the complement: HNRNPU is on the minus strand). VCF-style: chr1-244858839-C-T. GRCh37 (hg19) VCF-style: chr1-245022141-C-T.
Other names: c.1063G>A, p.Glu355Lys (NM_004501.3); short protein forms E355K, E374K.
Identifiers: ClinVar variation 2019710 (VCV002019710.4), dbSNP rs2527880676, ClinGen allele CA345492362.

ClinVar aggregate classification (germline): Uncertain significance (1 of 4 stars; one submission).

Conditions:
Developmental and epileptic encephalopathy, 54. Also called: HNRNPU-Related Neurodevelopmental Disorder; Epileptic encephalopathy, early infantile, 54. Identifiers: MedGen C4479319, MONDO:0033363, OMIM 617391.

Allele frequency attached by ClinVar (database versions not stated): gnomAD exomes below 0.00001.
gnomAD v4.1: 1 of 1,370,520 alleles (0.000073%); highest among the groups gnomAD compares: Non-Finnish European, 0.0001%; no homozygotes.

Submission:

Labcorp Genetics (formerly Invitae), Labcorp
Classification: Uncertain significance for Developmental and epileptic encephalopathy, 54. Last evaluated: 2022-08-01. Review status: criteria provided, single submitter. Criteria: Invitae Variant Classification Sherloc (09022015). Collection method: clinical testing. Allele origin: germline.
Comment: This sequence change replaces glutamic acid, which is acidic and polar, with lysine, which is basic and polar, at codon 374 of the HNRNPU protein (p.Glu374Lys). This variant is not present in population databases (gnomAD no frequency). This variant has not been reported in the literature in individuals affected with HNRNPU-related conditions. Algorithms developed to predict the effect of missense changes on protein structure and function are either unavailable or do not agree on the potential impact of this missense change (SIFT: "Deleterious"; PolyPhen-2: "Not Available"; Align-GVGD: "Class C55"). In summary, the available evidence is currently insufficient to determine the role of this variant in disease. Therefore, it has been classified as a Variant of Uncertain Significance.